The following is an entry in ClinVar:

ClinVar aggregate classification (germline): Pathogenic. Review status: criteria provided, multiple submitters, no conflicts (2 of 4 stars). 2 submissions from 2 submitters: Pathogenic (2). Last evaluated 2025-01-01.

Submissions (2):

CeGaT Center for Human Genetics Tuebingen
Classification: Pathogenic. Last evaluated: 2025-01-01. Review status: criteria provided, single submitter. Criteria: CeGaT Center For Human Genetics Tuebingen Variant Classification Criteria Version 2. Collection method: clinical testing. Allele origin: germline. Affected: yes. Observed: 1 variant allele.
Comment: TGFB2: PVS1, PM2

GeneDx
Classification: Pathogenic. Last evaluated: 2015-05-11. Review status: criteria provided, single submitter. Criteria: GeneDx Variant Classification (06012015). Collection method: clinical testing. Allele origin: germline. Affected: yes.
Comment: Although the c.356delC mutation in the TGFB2 gene has not been reported to our knowledge, this mutation causes a shift in reading frame starting at codon Proline 119, changing it to an Arginine, and creating a premature stop codon at position 27 of the new reading frame, denoted p.P119RfsX27. This mutation is expected to result in either an abnormal, truncated protein product or loss of protein from this allele through nonsense-mediated mRNA decay. Frameshift mutations account for 25% of all mutations in the TGFB2 gene association with thoracic aortic aneurysms and dissections . In summary, c.356delC in the TGFB2 gene is interpreted as a disease-causing mutation.

NM_003238.6(TGFB2):c.356del (p.Pro119fs)

Gene: TGFB2 (transforming growth factor beta 2; plus strand). Cytogenetic location: 1q41.
Variant type: Deletion.
Coding change: c.356del on transcript NM_003238.6 (MANE Select); coding-DNA position 356, one base deleted (C; older notation c.356delC).
Protein change: p.Pro119fs; shifts the reading frame from proline 119.
Molecular consequence: frameshift variant. On other transcripts: non-coding transcript variant (2).
Genome position (GRCh38, 1-based): chr1:218,405,178, C deleted; the last of 3 consecutive C bases (chr1:218,405,176-218,405,178); deleting any one gives the same sequence. VCF-style (leftmost placement, unchanged base first): chr1-218405175-TC-T. GRCh37 (hg19) VCF-style: chr1-218578517-TC-T.
Other names: c.440del, p.Pro147fs (NM_001135599.4); short protein forms P119fs, P147fs.
Identifiers: ClinVar variation 213852 (VCV000213852.15), dbSNP rs863223797, ClinGen allele CA322864.